The following is an entry in ClinVar:

ClinVar aggregate classification (germline): Uncertain significance. Review status: criteria provided, single submitter (1 of 4 stars). 2 submissions from 2 submitters: Uncertain significance (1). 1 of the submissions does not count toward it. Last evaluated 2024-03-15.

Conditions:
Joubert syndrome. Also called: JOUBERT-BOLTSHAUSER SYNDROME; Familial aplasia of the vermis. Identifiers: Orphanet 475, MedGen C5979921, MONDO:0018772.
Meckel-Gruber syndrome. Also called: DYSENCEPHALIA SPLANCHNOCYSTICA; GRUBER SYNDROME; Dysencephalia splachnocystica. Identifiers: Orphanet 564, MedGen C0265215, MONDO:0018921.
Optic atrophy. Identifiers: MedGen C0029124, MONDO:0003608, HP:0000648.

gnomAD v4.1: 2 of 1,549,158 alleles (0.00013%); highest among the groups gnomAD compares: African/African-American, 0.0014%; no homozygotes.

Submissions (2):

Labcorp Genetics (formerly Invitae), Labcorp
Classification: Uncertain significance for Joubert syndrome; Meckel-Gruber syndrome. Last evaluated: 2024-03-15. Review status: criteria provided, single submitter. Criteria: Invitae Variant Classification Sherloc (09022015). Collection method: clinical testing. Allele origin: germline.
Comment: This sequence change falls in intron 4 of the CC2D2A gene. It does not directly change the encoded amino acid sequence of the CC2D2A protein. It affects a nucleotide within the consensus splice site. This variant is not present in population databases (gnomAD no frequency). This variant has not been reported in the literature in individuals affected with CC2D2A-related conditions. Variants that disrupt the consensus splice site are a relatively common cause of aberrant splicing (PMID: 17576681, 9536098). Algorithms developed to predict the effect of sequence changes on RNA splicing suggest that this variant is not likely to affect RNA splicing. In summary, the available evidence is currently insufficient to determine the role of this variant in disease. Therefore, it has been classified as a Variant of Uncertain Significance.

Institute of Human Genetics, Univ. Regensburg, Univ. Regensburg
Classification: Uncertain significance for Optic atrophy. Last evaluated: 2023-01-01. Review status: no assertion criteria provided. Criteria: ACMG Guidelines, 2015. Collection method: clinical testing. Allele origin: germline. Affected: yes. Not counted in ClinVar's aggregate classification.

Literature cited by the submitters: PubMed 17576681 (cited by Labcorp Genetics (formerly Invitae), Labcorp); PubMed 9536098 (cited by Labcorp Genetics (formerly Invitae), Labcorp).

NM_001378615.1(CC2D2A):c.123+5G>C

Genes: CC2D2A (coiled-coil and C2 domain containing 2A; plus strand), FBXL5 (F-box and leucine rich repeat protein 5; minus strand). Cytogenetic location: 4p15.32.
Variant type: single nucleotide variant.
Coding change: c.123+5G>C on transcript NM_001378615.1 (MANE Select); 5 bases into the intron after coding-DNA position 123, G replaced by C.
Molecular consequence: intron variant.
Genome position (GRCh38, 1-based): chr4:15,478,811, G>C. VCF-style: chr4-15478811-G-C. GRCh37 (hg19) VCF-style: chr4-15480435-G-C.
Other names: c.123+5G>C (NM_001080522.2, NM_020785.2, NM_001164720.3).
Identifiers: ClinVar variation 3250158 (VCV003250158.3).
Genomic context (GRCh38, chr4:15,478,811, plus strand): 5'-ACATGGGAAGACAGAATAAGAACTCAAAGGTTCGAAGACAGCCAAGAAAGAAACAGGTAA[G>C]AAGTGACAAGAAACTGTGTCTGCGTATTGTCATTGATCAACAACCCGCCTGCATCCCCAG-3'